The following is an entry in ClinVar:

NM_002024.6(FMR1):c.414G>A (p.Arg138=)

Gene: FMR1 (fragile X messenger ribonucleoprotein 1; plus strand). Cytogenetic location: Xq27.3.
Variant type: single nucleotide variant.
Coding change: c.414G>A on transcript NM_002024.6 (MANE Select); coding-DNA position 414, G replaced by A.
Protein change: p.Arg138=; no amino-acid change (arginine 138 retained).
Molecular consequence: synonymous variant. On other transcripts: non-coding transcript variant (2).
Genome position (GRCh38, 1-based): chrX:147,928,802, G>A. VCF-style: chrX-147928802-G-A. GRCh37 (hg19) VCF-style: chrX-147010320-G-A.
Other names: p.Arg138=; c.414G>A, p.Arg138= (NM_001185075.2, NM_001185076.2, NM_001185081.2 and 1 more transcripts); c.414G>A (NM_002024.4).
Identifiers: ClinVar variation 94023 (VCV000094023.19), dbSNP rs25707, ClinGen allele CA147545.

ClinVar aggregate classification (germline): Benign. Review status: criteria provided, multiple submitters, no conflicts (2 of 4 stars). 8 submissions from 8 submitters: Benign (6). 2 of the submissions do not count toward it. Last evaluated 2021-11-03.

Conditions:
Inborn genetic diseases. Identifiers: MedGen C0950123, MeSH D030342.
Fragile X-associated tremor/ataxia syndrome. Also called: Fragile X-Associated Tremor/Ataxia Syndrome (FXTAS). Identifiers: Orphanet 93256, MedGen C1839780, MONDO:0010382, OMIM 300623.
Fragile X syndrome. Also called: Fragile X syndrome, type A; MARKER X SYNDROME; MARTIN-BELL SYNDROME; MENTAL RETARDATION, X-LINKED, ASSOCIATED WITH marXq28; X-LINKED MENTAL RETARDATION AND MACROORCHIDISM; Fragile X Syndrome (FXS). Identifiers: Orphanet 449291, Orphanet 908, MedGen C0016667, MONDO:0010383, OMIM 300624. Disease mechanism: loss of function.
Premature ovarian failure 1 (POF1). Also called: Primary ovarian insufficiency, fragile X-associated; HYPERGONADOTROPIC OVARIAN FAILURE, X-LINKED; PREMATURE OVARIAN FAILURE, X-LINKED; Fragile x premature ovarian failure; FMR1-Related Primary Ovarian Insufficiency; FMR1 Primary Ovarian Insufficiency (FXPOI). Identifiers: Orphanet 642691, MedGen C4552079, MONDO:0010706, OMIM 311360.

Allele frequency attached by ClinVar (database versions not stated): 1000 Genomes Project 30x 0.10198; gnomAD 0.10313 and 0.10515; gnomAD exomes 0.08121 and 0.08719; TOPMed 0.10474; ESP Exome Variant Server 0.11163; ExAC 0.08679; 1000 Genomes Project 0.09960.
gnomAD v4.1: 106,848 of 1,206,186 alleles (8.9%); highest among the groups gnomAD compares: African/African-American, 17%; 3,659 homozygotes.

Submissions (8):

Fulgent Genetics
Classification: Benign for Fragile X-associated tremor/ataxia syndrome; Fragile X syndrome; Premature ovarian failure 1. Last evaluated: 2021-11-03. Review status: criteria provided, single submitter. Criteria: ACMG Guidelines, 2015. Collection method: clinical testing. Allele origin: unknown.

GeneDx
Classification: Benign. Last evaluated: 2021-06-09. Review status: criteria provided, single submitter. Criteria: GeneDx Variant Classification Process June 2021. Collection method: clinical testing. Allele origin: germline. Affected: yes.

Eurofins Ntd Llc (ga)
Classification: Benign. Last evaluated: 2018-03-26. Review status: criteria provided, single submitter. Criteria: EGL ClinVar v180209 classification definitions. Collection method: clinical testing. Allele origin: germline. Observed: 35 variant alleles, 10 heterozygotes, 7 homozygotes, 18 hemizygotes.

Mayo Clinic Laboratories, Mayo Clinic
Classification: Benign. Last evaluated: 2017-10-10. Review status: criteria provided, single submitter. Criteria: ACMG Guidelines, 2015. Collection method: clinical testing. Allele origin: germline. Observed: 326 variant alleles.

Ambry Genetics
Classification: Benign for Inborn genetic diseases. Last evaluated: 2014-12-13. Review status: criteria provided, single submitter. Criteria: Ambry Variant Classification Scheme 2023. Collection method: clinical testing. Allele origin: germline.

Breakthrough Genomics
Classification: Benign. Review status: criteria provided, single submitter. Criteria: ACMG Guidelines, 2015. Collection method: not provided. Allele origin: germline. Inheritance: X-linked inheritance. Affected: yes.

Natera, Inc.
Classification: Benign for Fragile X syndrome. Last evaluated: 2020-09-16. Review status: no assertion criteria provided. Collection method: clinical testing. Allele origin: germline. Not counted in ClinVar's aggregate classification.

Genetic Services Laboratory, University of Chicago
Classification: Likely benign for AllHighlyPenetrant. Review status: no assertion criteria provided. Collection method: clinical testing. Allele origin: germline. Inheritance: X-linked inheritance. Not counted in ClinVar's aggregate classification.
Comment: Likely benign based on allele frequency in 1000 Genomes Project or ESP global frequency and its presence in a patient with a rare or unrelated disease phenotype. NOT Sanger confirmed.